The following is an entry in ClinVar:

ClinVar aggregate classification (germline): Likely pathogenic. Review status: criteria provided, multiple submitters, no conflicts (2 of 4 stars). 2 submissions from 2 submitters: Likely pathogenic (2). Last evaluated 2022-07-21.

Conditions:
Arrhythmogenic right ventricular dysplasia 11. Also called: Arrhythmogenic Right Ventricular Dysplasia/Cardiomyopathy11; ARRHYTHMOGENIC RIGHT VENTRICULAR DYSPLASIA, FAMILIAL, 11; Arrhythmogenic right ventricular dysplasia 11 with mild palmoplantar keratoderma and woolly hair. Identifiers: MedGen C1864850, MONDO:0012506, OMIM 610476.

Submissions (2):

Labcorp Genetics (formerly Invitae), Labcorp
Classification: Likely pathogenic for Arrhythmogenic right ventricular dysplasia 11. Last evaluated: 2022-07-21. Review status: criteria provided, single submitter. Criteria: Invitae Variant Classification Sherloc (09022015). Collection method: clinical testing. Allele origin: germline.
Comment: This sequence change affects an acceptor splice site in intron 3 of the DSC2 gene. It is expected to disrupt RNA splicing. Variants that disrupt the donor or acceptor splice site typically lead to a loss of protein function (PMID: 16199547), and loss-of-function variants in DSC2 are known to be pathogenic (PMID: 23911551). This variant is not present in population databases (gnomAD no frequency). In summary, the currently available evidence indicates that the variant is pathogenic, but additional data are needed to prove that conclusively. Therefore, this variant has been classified as Likely Pathogenic. Algorithms developed to predict the effect of sequence changes on RNA splicing suggest that this variant may disrupt the consensus splice site. ClinVar contains an entry for this variant (Variation ID: 1678125). This variant has not been reported in the literature in individuals affected with DSC2-related conditions.

AiLife Diagnostics
Classification: Likely pathogenic. Last evaluated: 2021-10-21. Review status: criteria provided, single submitter. Criteria: ACMG Guidelines, 2015. Collection method: clinical testing. Allele origin: germline. Affected: yes. Observed: 1 variant allele.

Literature cited by the submitters: PubMed 16199547 (cited by Labcorp Genetics (formerly Invitae), Labcorp); PubMed 23911551 (cited by Labcorp Genetics (formerly Invitae), Labcorp).

NM_024422.6(DSC2):c.355-1G>A

Gene: DSC2 (desmocollin 2; minus strand). Cytogenetic location: 18q12.1.
Variant type: single nucleotide variant.
Coding change: c.355-1G>A on transcript NM_024422.6 (MANE Select); the canonical splice acceptor site of the intron before coding-DNA position 355, G replaced by A.
Molecular consequence: splice acceptor variant.
Genome position (GRCh38, 1-based): chr18:31,091,148, C>T on the plus strand (G>A on the coding strand, the complement: DSC2 is on the minus strand). VCF-style: chr18-31091148-C-T. GRCh37 (hg19) VCF-style: chr18-28671111-C-T.
Other names: c.355-1G>A (NM_004949.5); c.-75-1G>A (NM_001406506.1, NM_001406507.1).
Identifiers: ClinVar variation 1678125 (VCV001678125.6), dbSNP rs2144843645, ClinGen allele CA402114540.
Genomic context (GRCh38, chr18:31,091,148, plus strand): 5'-AGCCCATCTTCTCTTGGCGCGCCTTAGAACTTTTTCTTTAGTATGTCTTTTCTTTAGGAC[C>T]TCAATTCATAAGACAGGAAAAAATAATAAAGTCAATGACTACTTTATTCTCAAACATTAA-3'